The following is an entry in ClinVar:

NM_007294.4(BRCA1):c.5309G>A (p.Gly1770Glu)

Gene: BRCA1 (BRCA1 DNA repair associated; minus strand). Cytogenetic location: 17q21.31.
Variant type: single nucleotide variant.
Coding change: c.5309G>A on transcript NM_007294.4 (MANE Select); coding-DNA position 5309, G replaced by A.
Protein change: p.Gly1770Glu; replaces glycine 1770 with glutamic acid.
Molecular consequence: missense variant. On other transcripts: non-coding transcript variant (1).
Genome position (GRCh38, 1-based): chr17:43,051,086, C>T on the plus strand (G>A on the coding strand, the complement: BRCA1 is on the minus strand). VCF-style: chr17-43051086-C-T. GRCh37 (hg19) VCF-style: chr17-41203103-C-T.
Other names: c.5096G>A, p.Gly1699Glu (NM_001407571.1, NM_001407894.1, NM_001407895.1 and 12 more transcripts); c.5375G>A, p.Gly1792Glu (NM_001407581.1, NM_001407582.1); c.5372G>A, p.Gly1791Glu (NM_001407583.1, NM_001407585.1, NM_001407587.1 and 1 more transcripts); c.5369G>A, p.Gly1790Glu (NM_001407590.1, NM_001407591.1); c.5309G>A, p.Gly1770Glu (NM_001407593.1, NM_001407594.1, NM_001407596.1 and 6 more transcripts); c.5306G>A, p.Gly1769Glu (NM_001407617.1, NM_001407618.1, NM_001407619.1 and 17 more transcripts); c.5303G>A, p.Gly1768Glu (NM_001407636.1, NM_001407637.1, NM_001407638.1 and 14 more transcripts); c.5300G>A, p.Gly1767Glu (NM_001407644.1, NM_001407645.1); and 72 more; short protein forms G1791E, G666E, G1723E, G1770E, G1601E, G1641E, G1642E, G1657E.
Identifiers: ClinVar variation 867980 (VCV000867980.4), dbSNP rs863224765, ClinGen allele CA10590930.
Genomic context (GRCh38, chr17:43,051,086, plus strand): 5'-CTGGTGCTGGAACTCTGGGGTTCTCCCAGGCTCTTACCTGTGGGCATGTTGGTGAAGGGC[C>T]CATAGCAACAGATTTCTAGCCCCCTGAAGATCTGGAAGAAGAGAGGAAGAGAGAGGGACA-3'
Protein context (NP_009225.1, residues 1760-1780): IFRGLEICCY[Gly1770Glu]PFTNMPTDQL

ClinVar aggregate classification (germline): Uncertain significance. Review status: criteria provided, multiple submitters, no conflicts (2 of 4 stars). 2 submissions from 2 submitters: Uncertain significance (2). Last evaluated 2026-04-02.

Conditions:
Hereditary cancer-predisposing syndrome. Also called: Neoplastic Syndromes, Hereditary; Tumor predisposition; Hereditary Cancer Syndrome; Hereditary neoplastic syndrome. Identifiers: Orphanet 140162, MedGen C0027672, MeSH D009386, MONDO:0015356.

Submissions (3):

Women's Health and Genetics/Laboratory Corporation of America, LabCorp
Classification: Uncertain significance. Last evaluated: 2026-04-02. Review status: criteria provided, single submitter. Criteria: LabCorp Variant Classification Summary - May 2015. Collection method: clinical testing. Allele origin: germline.
Comment: Variant summary: BRCA1 c.5309G>A (p.Gly1770Glu) results in a non-conservative amino acid change in the encoded protein sequence. Algorithms developed to predict the effect of missense changes on protein structure and function are either unavailable or do not agree on the potential impact of this missense change. The variant was absent in 251350 control chromosomes. To our knowledge, no occurrence of c.5309G>A in individuals affected with BRCA1-related conditions has been reported. At least two publications report experimental evidence evaluating an impact on protein function. In one study the variant was found to result in decreased transcription activity, approximately 45% compared to the WT protein (Fernandes_2019). In contrast, another functional study showed no damaging effect of this variant on homology directed repair (HDR) activity (e.g. Findlay_2018). HDR assays qualify as a recognized gold standard on the basis of updated guidance provided by the ClinGen Sequence Variant Interpretation (SVI) working group. The following publications have been ascertained in the context of this evaluation (PMID: 30765603, 30209399). ClinVar contains an entry for this variant (Variation ID: 867980). Based on the evidence outlined above, the variant was classified as VUS-possibly benign.

Sema4
Classification: Uncertain significance for Hereditary cancer-predisposing syndrome. Last evaluated: 2021-04-11. Review status: criteria provided, single submitter. Criteria: Sema4 Curation Guidelines. Collection method: curation. Allele origin: germline.
Comment: To the best of our knowledge, the BRCA1, c.5309G>A (p.G1770E) variant has not been reported in individuals with BRCA1-related disease. It was not observed in the large and broad cohorts of the Genome Aggregation Database (PMID: 32461654). The variant has been reported in ClinVar (Variation ID 867980). In silico tools suggest the impact of the variant on protein function is inconclusive. Functional studies report the variant to be functional or partially functional (PMID: 30209399, 30765603). The evidence is insufficient to meet ACMG/AMP criteria for classifying the variant as benign or pathogenic. Thus, the clinical significance of this variant is currently uncertain.

Brotman Baty Institute, University of Washington
No classification provided (evidence only). Condition: Breast-ovarian cancer, familial 1. Review status: no classification provided. Collection method: in vitro. Allele origin: not applicable. Functional consequence: functionally_normal. Not counted in ClinVar's aggregate classification.
ClinVar note: "not provided" was previously submitted as the classification for the variant. However, the classification appeared to be based only on an observation of functional data so it was converted to no classification on 2025-07-30.

Literature cited by the submitters: PubMed 30209399 (cited by Women's Health and Genetics/Laboratory Corporation of America, LabCorp and Sema4); PubMed 30765603 (cited by Women's Health and Genetics/Laboratory Corporation of America, LabCorp and Sema4).